The following is an entry in ClinVar:

NM_000036.3(AMPD1):c.2086-3T>C

Gene: AMPD1 (adenosine monophosphate deaminase 1; minus strand). Cytogenetic location: 1p13.2.
Variant type: single nucleotide variant.
Coding change: c.2086-3T>C on transcript NM_000036.3 (MANE Select); 3 bases into the intron before coding-DNA position 2086, T replaced by C.
Molecular consequence: intron variant.
Genome position (GRCh38, 1-based): chr1:114,673,275, A>G on the plus strand (T>C on the coding strand, the complement: AMPD1 is on the minus strand). VCF-style: chr1-114673275-A-G. GRCh37 (hg19) VCF-style: chr1-115215896-A-G.
Other names: c.2074-3T>C (NM_001172626.2).
Identifiers: ClinVar variation 2170084 (VCV002170084.1), dbSNP rs552905568, ClinGen allele CA1019922.

ClinVar aggregate classification (germline): Uncertain significance (1 of 4 stars; one submission).

Conditions:
Muscle AMP deaminase deficiency (MMDD). Also called: Myoadenylate deaminase deficiency, myopathy due to; Adenosine monophosphate deaminase 1 deficiency; AMP deaminase 1 deficiency; Adenosine Monophosphate Deaminase 1; AMPD1 DEFICIENCY; ADENOSINE MONOPHOSPHATE DEAMINASE-1 DEFICIENCY, MYOPATHY DUE TO. Identifiers: Orphanet 45, MedGen C3714933, MONDO:0014220, OMIM 615511.

Allele frequency attached by ClinVar (database versions not stated): TOPMed 0.00001; gnomAD exomes 0.00005; gnomAD 0.00006; ExAC 0.00012; 1000 Genomes Project 30x 0.00016; 1000 Genomes Project 0.00020.
gnomAD v4.1: 78 of 1,613,968 alleles (0.0048%); highest among the groups gnomAD compares: South Asian, 0.068%; no homozygotes.

Submission:

Labcorp Genetics (formerly Invitae), Labcorp
Classification: Uncertain significance for Muscle AMP deaminase deficiency. Last evaluated: 2022-08-23. Review status: criteria provided, single submitter. Criteria: Invitae Variant Classification Sherloc (09022015). Collection method: clinical testing. Allele origin: germline.
Comment: This sequence change falls in intron 15 of the AMPD1 gene. It does not directly change the encoded amino acid sequence of the AMPD1 protein. It affects a nucleotide within the consensus splice site. This variant is present in population databases (rs552905568, gnomAD 0.04%). This variant has not been reported in the literature in individuals affected with AMPD1-related conditions. Variants that disrupt the consensus splice site are a relatively common cause of aberrant splicing (PMID: 17576681, 9536098). Algorithms developed to predict the effect of sequence changes on RNA splicing suggest that this variant is not likely to affect RNA splicing. In summary, the available evidence is currently insufficient to determine the role of this variant in disease. Therefore, it has been classified as a Variant of Uncertain Significance.

Literature cited by the submitters: PubMed 17576681; PubMed 9536098.